The following is an entry in ClinVar:

NM_017613.4(DONSON):c.1151+1G>A

Gene: DONSON (DNA replication fork stabilization factor DONSON; minus strand). Cytogenetic location: 21q22.11.
Variant type: single nucleotide variant.
Coding change: c.1151+1G>A on transcript NM_017613.4 (MANE Select); the canonical splice donor site of the intron after coding-DNA position 1151, G replaced by A.
Molecular consequence: splice donor variant.
Genome position (GRCh38, 1-based): chr21:33,581,950, C>T on the plus strand (G>A on the coding strand, the complement: DONSON is on the minus strand). VCF-style: chr21-33581950-C-T. GRCh37 (hg19) VCF-style: chr21-34954256-C-T.
Identifiers: ClinVar variation 3680193 (VCV003680193.2).

ClinVar aggregate classification (germline): Likely pathogenic (1 of 4 stars; one submission).

gnomAD v4.1: 1 of 1,613,670 alleles (0.000062%); highest among the groups gnomAD compares: Non-Finnish European, 0.000085%; no homozygotes.

Submission:

Labcorp Genetics (formerly Invitae), Labcorp
Classification: Likely pathogenic. Last evaluated: 2024-07-30. Review status: criteria provided, single submitter. Criteria: Invitae Variant Classification Sherloc (09022015). Collection method: clinical testing. Allele origin: germline.
Comment: This sequence change affects a donor splice site in intron 7 of the DONSON gene. It is expected to disrupt RNA splicing. Variants that disrupt the donor or acceptor splice site typically lead to a loss of protein function (PMID: 16199547), and loss-of-function variants in DONSON are known to be pathogenic (PMID: 28191891, 28630177). This variant is not present in population databases (gnomAD no frequency). This variant has not been reported in the literature in individuals affected with DONSON-related conditions. Algorithms developed to predict the effect of sequence changes on RNA splicing suggest that this variant may disrupt the consensus splice site. In summary, the currently available evidence indicates that the variant is pathogenic, but additional data are needed to prove that conclusively. Therefore, this variant has been classified as Likely Pathogenic.

Literature cited by the submitters: PubMed 16199547; PubMed 28191891; PubMed 28630177.